The following is an entry in ClinVar:

NM_015202.5(KATNIP):c.3732C>T (p.His1244=)

Gene: KATNIP (katanin interacting protein; plus strand). Cytogenetic location: 16p12.1.
Variant type: single nucleotide variant.
Coding change: c.3732C>T on transcript NM_015202.5 (MANE Select); coding-DNA position 3732, C replaced by T.
Protein change: p.His1244=; no amino-acid change (histidine 1244 retained).
Molecular consequence: synonymous variant.
Genome position (GRCh38, 1-based): chr16:27,761,513, C>T. VCF-style: chr16-27761513-C-T. GRCh37 (hg19) VCF-style: chr16-27772834-C-T.
Identifiers: ClinVar variation 3616861 (VCV003616861.9).

ClinVar aggregate classification (germline): Likely benign. Review status: criteria provided, multiple submitters, no conflicts (2 of 4 stars). 2 submissions from 2 submitters: Likely benign (2). Last evaluated 2025-03-01.

gnomAD v4.1: 7 of 1,614,038 alleles (0.00043%); highest among the groups gnomAD compares: African/African-American, 0.004%; no homozygotes.

Submissions (2):

CeGaT Center for Human Genetics Tuebingen
Classification: Likely benign. Last evaluated: 2025-03-01. Review status: criteria provided, single submitter. Criteria: CeGaT Center For Human Genetics Tuebingen Variant Classification Criteria Version 2. Collection method: clinical testing. Allele origin: germline. Affected: yes. Observed: 1 variant allele.
Comment: KATNIP: BP4, BP7

Labcorp Genetics (formerly Invitae), Labcorp
Classification: Likely benign. Last evaluated: 2024-08-29. Review status: criteria provided, single submitter. Criteria: Invitae Variant Classification Sherloc (09022015). Collection method: clinical testing. Allele origin: germline.